The following is an entry in ClinVar:

NM_001201543.2(FAM161A):c.1602G>A (p.Lys534=)

Gene: FAM161A (FAM161 centrosomal protein A; minus strand). Cytogenetic location: 2p15.
Variant type: single nucleotide variant.
Coding change: c.1602G>A on transcript NM_001201543.2 (MANE Select); coding-DNA position 1602, G replaced by A.
Protein change: p.Lys534=; no amino-acid change (lysine 534 retained).
Molecular consequence: synonymous variant. On other transcripts: intron variant (1).
Genome position (GRCh38, 1-based): chr2:61,838,687, C>T on the plus strand (G>A on the coding strand, the complement: FAM161A is on the minus strand). VCF-style: chr2-61838687-C-T. GRCh37 (hg19) VCF-style: chr2-62065822-C-T.
Other names: c.1583+734G>A (NM_032180.3).
Identifiers: ClinVar variation 764814 (VCV000764814.12), dbSNP rs367777806, ClinGen allele CA1679085.

ClinVar aggregate classification (germline): Likely benign. Review status: criteria provided, multiple submitters, no conflicts (2 of 4 stars). 4 submissions from 4 submitters: Likely benign (2). 2 of the submissions do not count toward it. Last evaluated 2026-01-03.

Conditions:
Retinitis pigmentosa 28 (RP28). Identifiers: Orphanet 791, MedGen C1419614, MONDO:0011630, OMIM 606068.
FAM161A-related disorder. Also called: FAM161A-related condition.

Allele frequency attached by ClinVar (database versions not stated): TOPMed 0.00006; gnomAD 0.00010.
gnomAD v4.1: 222 of 1,607,718 alleles (0.014%); highest among the groups gnomAD compares: Non-Finnish European, 0.018%; no homozygotes.

Submissions (4):

Labcorp Genetics (formerly Invitae), Labcorp
Classification: Likely benign. Last evaluated: 2026-01-03. Review status: criteria provided, single submitter. Criteria: Invitae Variant Classification Sherloc (09022015). Collection method: clinical testing. Allele origin: germline.

Blueprint Genetics
Classification: Likely benign. Last evaluated: 2023-09-28. Review status: criteria provided, single submitter. Criteria: ACMG Guidelines, 2015. Collection method: clinical testing. Allele origin: germline.

PreventionGenetics, part of Exact Sciences
Classification: Likely benign for FAM161A-related condition. Last evaluated: 2024-08-15. Review status: no assertion criteria provided. Collection method: clinical testing. Allele origin: germline. Not counted in ClinVar's aggregate classification.
Comment: This variant is classified as likely benign based on ACMG/AMP sequence variant interpretation guidelines (Richards et al. 2015 PMID: 25741868, with internal and published modifications).

Natera, Inc.
Classification: Uncertain significance for Retinitis pigmentosa type 28. Last evaluated: 2020-01-24. Review status: no assertion criteria provided. Collection method: clinical testing. Allele origin: germline. Not counted in ClinVar's aggregate classification.